The following is an entry in ClinVar:

NM_014989.7(RIMS1):c.1366C>G (p.Pro456Ala)

Gene: RIMS1 (regulating synaptic membrane exocytosis 1; plus strand). Cytogenetic location: 6q13.
Variant type: single nucleotide variant.
Coding change: c.1366C>G on transcript NM_014989.7 (MANE Select); coding-DNA position 1366, C replaced by G.
Protein change: p.Pro456Ala; replaces proline 456 with alanine.
Molecular consequence: missense variant.
Genome position (GRCh38, 1-based): chr6:72,182,837, C>G. VCF-style: chr6-72182837-C-G. GRCh37 (hg19) VCF-style: chr6-72892540-C-G.
Other names: short protein forms P456A.
Identifiers: ClinVar variation 841690 (VCV000841690.9), dbSNP rs2048555679, ClinGen allele CA364821047.

ClinVar aggregate classification (germline): Uncertain significance (1 of 4 stars; one submission).

Submission:

Labcorp Genetics (formerly Invitae), Labcorp
Classification: Uncertain significance. Last evaluated: 2022-09-06. Review status: criteria provided, single submitter. Criteria: Invitae Variant Classification Sherloc (09022015). Collection method: clinical testing. Allele origin: germline.
Comment: This variant has not been reported in the literature in individuals affected with RIMS1-related conditions. In summary, the available evidence is currently insufficient to determine the role of this variant in disease. Therefore, it has been classified as a Variant of Uncertain Significance. Algorithms developed to predict the effect of missense changes on protein structure and function are either unavailable or do not agree on the potential impact of this missense change (SIFT: "Deleterious"; PolyPhen-2: "Benign"; Align-GVGD: "Class C0"). ClinVar contains an entry for this variant (Variation ID: 841690). This variant is not present in population databases (gnomAD no frequency). This sequence change replaces proline, which is neutral and non-polar, with alanine, which is neutral and non-polar, at codon 456 of the RIMS1 protein (p.Pro456Ala).